The following is an entry in ClinVar:

NM_024996.7(GFM1):c.82-4del

Gene: GFM1 (G elongation factor mitochondrial 1; plus strand). Cytogenetic location: 3q25.32.
Variant type: Deletion.
Coding change: c.82-4del on transcript NM_024996.7 (MANE Select); 4 bases into the intron before coding-DNA position 82, one base deleted (T; older notation c.82-4delT).
Molecular consequence: intron variant.
Genome position (GRCh38, 1-based): chr3:158,645,625, T deleted; the last of 7 consecutive T bases (chr3:158,645,619-158,645,625); deleting any one gives the same sequence. VCF-style (leftmost placement, unchanged base first): chr3-158645618-AT-A. GRCh37 (hg19) VCF-style: chr3-158363407-AT-A.
Other names: c.82-4del (NM_001308164.2, NM_001374355.1, NM_001374356.1 and 2 more transcripts); c.-144-4del (NM_001374357.1); c.-148-4del (NM_001374359.1, NM_001374360.1, NM_001374361.1); c.82-4delT (NM_001308164.1).
Identifiers: ClinVar variation 1895509 (VCV001895509.6), dbSNP rs1335207851, ClinGen allele CA2580068986.
Genomic context (GRCh38, chr3:158,645,618, plus strand): 5'-TACTCCTTTTAATTGTCTGTTGTTCTCTCTTATAAAAGGTGCATAGAATTGAGCTCTCGT[AT>A]TTTTTTCAGGTTAATTGGAAGGCCTGCCGATGGTCTTCATCAGGGGTGATTCCTAATGAA-3'

ClinVar aggregate classification (germline): Benign/Likely benign. Review status: criteria provided, multiple submitters, no conflicts (2 of 4 stars). 2 submissions from 2 submitters: Benign (1); Likely benign (1). Last evaluated 2026-01-11.

Conditions:
GFM1-related disorder. Also called: GFM1-related condition.

Submissions (2):

PreventionGenetics, part of Exact Sciences
Classification: Likely benign for GFM1-related condition. Last evaluated: 2026-01-11. Review status: criteria provided, single submitter. Criteria: ACMG Guidelines, 2015. Collection method: clinical testing. Allele origin: germline.
Comment: This variant is classified as likely benign based on ACMG/AMP sequence variant interpretation guidelines (Richards et al. 2015 PMID: 25741868, with internal and published modifications).

Labcorp Genetics (formerly Invitae), Labcorp
Classification: Benign. Last evaluated: 2022-05-05. Review status: criteria provided, single submitter. Criteria: Invitae Variant Classification Sherloc (09022015). Collection method: clinical testing. Allele origin: germline.